The following is an entry in ClinVar:

ClinVar aggregate classification (germline): Uncertain significance (1 of 4 stars; one submission).

Conditions:
Norman-Roberts syndrome (LIS2). Also called: Lissencephaly 2 (Norman-Roberts type). Identifiers: Orphanet 89844, MedGen C0796089, MONDO:0009760, OMIM 257320.
Familial temporal lobe epilepsy 7. Identifiers: Orphanet 101046, MedGen C4225327, MONDO:0014639, OMIM 616436.

Submission:

Labcorp Genetics (formerly Invitae), Labcorp
Classification: Uncertain significance for Familial temporal lobe epilepsy 7; Norman-Roberts syndrome. Last evaluated: 2023-09-27. Review status: criteria provided, single submitter. Criteria: Invitae Variant Classification Sherloc (09022015). Collection method: clinical testing. Allele origin: germline.
Comment: In summary, the available evidence is currently insufficient to determine the role of this variant in disease. Therefore, it has been classified as a Variant of Uncertain Significance. Advanced modeling of protein sequence and biophysical properties (such as structural, functional, and spatial information, amino acid conservation, physicochemical variation, residue mobility, and thermodynamic stability) performed at Invitae indicates that this missense variant is not expected to disrupt RELN protein function. This variant has not been reported in the literature in individuals affected with RELN-related conditions. This variant is not present in population databases (gnomAD no frequency). This sequence change replaces glutamine, which is neutral and polar, with lysine, which is basic and polar, at codon 1928 of the RELN protein (p.Gln1928Lys).

NM_005045.4(RELN):c.5782C>A (p.Gln1928Lys)

Gene: RELN (reelin; minus strand). Cytogenetic location: 7q22.1.
Variant type: single nucleotide variant.
Coding change: c.5782C>A on transcript NM_005045.4 (MANE Select); coding-DNA position 5782, C replaced by A.
Protein change: p.Gln1928Lys; replaces glutamine 1928 with lysine.
Molecular consequence: missense variant.
Genome position (GRCh38, 1-based): chr7:103,556,992, G>T on the plus strand (C>A on the coding strand, the complement: RELN is on the minus strand). VCF-style: chr7-103556992-G-T. GRCh37 (hg19) VCF-style: chr7-103197439-G-T.
Other names: c.5782C>A, p.Gln1928Lys (NM_173054.3); short protein forms Q1928K.
Identifiers: ClinVar variation 2932521 (VCV002932521.3), dbSNP rs1414385650, ClinGen allele CA368741209.
Genomic context (GRCh38, chr7:103,556,992, plus strand): 5'-ATGCCACTATCAGTTCTGATCACAGGAGAACACATGCATTTTTACCGTTATTATAAGGTT[G>T]CCAGAGTCTGAATCTTGTAGCATTGGTTTGGGCAGTGTATGGCAAGGGAACATTGATGAA-3'
Protein context (NP_005036.2, residues 1918-1938): QTNATRFRLW[Gln1928Lys]PYNNGKKEEI